The following is an entry in ClinVar:

NC_000019.9:g.(?_33953881)_(33954988_?)del

Gene: PEPD (peptidase D; minus strand). Cytogenetic location: 19q13.11.
Variant type: Deletion.
Identifiers: ClinVar variation 3242634 (VCV003242634.1).

ClinVar aggregate classification (germline): Pathogenic (1 of 4 stars; one submission).

Submission:

Labcorp Genetics (formerly Invitae), Labcorp
Classification: Pathogenic. Last evaluated: 2023-09-21. Review status: criteria provided, single submitter. Criteria: Invitae Variant Classification Sherloc (09022015). Collection method: clinical testing. Allele origin: unknown.
Comment: This variant is a gross deletion of the genomic region encompassing exon(s) 8-9 of the PEPD gene. This variant would be expected to be in-frame, preserving the integrity of the reading frame. This variant has not been reported in the literature in individuals affected with PEPD-related conditions. This variant disrupts a region of the PEPD protein in which other variant(s) (p.Ala212Pro) have been determined to be pathogenic (PMID: 19308961). This suggests that this is a clinically significant region of the protein, and that variants that disrupt it are likely to be disease-causing. For these reasons, this variant has been classified as Pathogenic.

Literature cited by the submitters: PubMed 19308961.